The following is an entry in ClinVar:

ClinVar aggregate classification (germline): Uncertain significance (1 of 4 stars; one submission).

Submission:

GeneDx
Classification: Uncertain significance. Last evaluated: 2024-06-16. Review status: criteria provided, single submitter. Criteria: GeneDx Variant Classification Process June 2021. Collection method: clinical testing. Allele origin: germline. Affected: yes.
Comment: Not observed at significant frequency in large population cohorts (gnomAD); In silico analysis indicates that this missense variant does not alter protein structure/function; Has not been previously published as pathogenic or benign to our knowledge

NM_001374828.1(ARID1B):c.6230G>A (p.Ser2077Asn)

Gene: ARID1B (AT-rich interaction domain 1B; plus strand). Cytogenetic location: 6q25.3.
Variant type: single nucleotide variant.
Coding change: c.6230G>A on transcript NM_001374828.1 (MANE Select); coding-DNA position 6230, G replaced by A.
Protein change: p.Ser2077Asn; replaces serine 2077 with asparagine.
Molecular consequence: missense variant.
Genome position (GRCh38, 1-based): chr6:157,207,002, G>A. VCF-style: chr6-157207002-G-A. GRCh37 (hg19) VCF-style: chr6-157528136-G-A.
Other names: c.3731G>A, p.Ser1244Asn (NM_001363725.2); c.6110G>A, p.Ser2037Asn (NM_001371656.1, NM_001374820.1); c.6071G>A, p.Ser2024Asn (NM_017519.3); c.5861G>A (NM_020732.3); short protein forms S1244N, S2024N, S2037N, S2077N.
Identifiers: ClinVar variation 3390501 (VCV003390501.1).